The following is an entry in ClinVar:

ClinVar aggregate classification (germline): Likely pathogenic (1 of 4 stars; one submission).

Conditions:
PIGO-related disorder. Also called: PIGO-related condition.

Submission:

PreventionGenetics, part of Exact Sciences
Classification: Likely pathogenic for PIGO-related condition. Last evaluated: 2025-04-10. Review status: criteria provided, single submitter. Criteria: ACMG Guidelines, 2015. Collection method: clinical testing. Allele origin: germline.
Comment: The PIGO c.2839delC variant is predicted to result in a frameshift and premature protein termination (p.His947Thrfs*6). To our knowledge, this variant has not been reported in the literature or in a large population database (gnomAD), indicating this variant is rare. Frameshift variants in PIGO are expected to be pathogenic. This variant is interpreted as likely pathogenic.

NM_032634.4(PIGO):c.2839del (p.His947fs)

Gene: PIGO (phosphatidylinositol glycan anchor biosynthesis class O; minus strand). Cytogenetic location: 9p13.3.
Variant type: Deletion.
Coding change: c.2839del on transcript NM_032634.4 (MANE Select); coding-DNA position 2839, one base deleted (C; older notation c.2839delC).
Protein change: p.His947fs; shifts the reading frame from histidine 947.
Molecular consequence: frameshift variant.
Genome position (GRCh38, 1-based): chr9:35,090,481, G deleted on the plus strand (C on the coding strand, the reverse complement: PIGO is on the minus strand); the first of 3 consecutive G bases (chr9:35,090,481-35,090,483); deleting any one gives the same sequence. VCF-style (leftmost placement, unchanged base first): chr9-35090480-TG-T. GRCh37 (hg19) VCF-style: chr9-35090477-TG-T.
Other names: c.1588del, p.His530fs (NM_001201484.2, NM_152850.4); short protein forms H530fs, H947fs.
Identifiers: ClinVar variation 5000451 (VCV005000451.1).